The following is an entry in ClinVar:

NM_032447.5(FBN3):c.6906C>T (p.Ala2302=)

Gene: FBN3 (fibrillin 3; minus strand). Cytogenetic location: 19p13.2.
Variant type: single nucleotide variant.
Coding change: c.6906C>T on transcript NM_032447.5 (MANE Select); coding-DNA position 6906, C replaced by T.
Protein change: p.Ala2302=; no amino-acid change (alanine 2302 retained).
Molecular consequence: synonymous variant.
Genome position (GRCh38, 1-based): chr19:8,085,544, G>A on the plus strand (C>T on the coding strand, the complement: FBN3 is on the minus strand). VCF-style: chr19-8085544-G-A. GRCh37 (hg19) VCF-style: chr19-8150428-G-A.
Other names: c.6906C>T, p.Ala2302= (NM_001321431.2); c.6906C>T (NM_001321431.1).
Identifiers: ClinVar variation 1583750 (VCV001583750.10), dbSNP rs34514496, ClinGen allele CA9151055.
Genomic context (GRCh38, chr19:8,085,544, plus strand): 5'-GGCCCTGGTGACAGCCTCACTGCTGCTGGACAGAGACCGGCACATGGTCTGCAGCACCTC[G>A]GCAAAGCAGGGCCCCTGCCGGATGTCTGCAGAGAACAATGGGAAAGACAACGGTCACTCC-3'
Protein context (NP_115823.3, residues 2292-2312): CHDIRQGPCF[Ala2302=]EVLQTMCRSL

ClinVar aggregate classification (germline): Benign. Review status: criteria provided, multiple submitters, no conflicts (2 of 4 stars). 3 submissions from 3 submitters: Benign (2). 1 of the submissions does not count toward it. Last evaluated 2026-02-02.

Conditions:
FBN3-related disorder. Also called: FBN3-related condition.

Allele frequency attached by ClinVar (database versions not stated): ExAC 0.03081; 1000 Genomes Project 0.04553; 1000 Genomes Project 30x 0.04794; ESP Exome Variant Server 0.04235.
gnomAD v4.1: 11,938 of 1,580,634 alleles (0.76%); highest among the groups gnomAD compares: African/African-American, 13%; 684 homozygotes.

Submissions (3):

Labcorp Genetics (formerly Invitae), Labcorp
Classification: Benign. Last evaluated: 2026-02-02. Review status: criteria provided, single submitter. Criteria: Invitae Variant Classification Sherloc (09022015). Collection method: clinical testing. Allele origin: germline.

Breakthrough Genomics
Classification: Benign. Review status: criteria provided, single submitter. Criteria: ACMG Guidelines, 2015. Collection method: not provided. Allele origin: germline. Inheritance: Unknown mechanism. Affected: yes.

PreventionGenetics, part of Exact Sciences
Classification: Benign for FBN3-related condition. Last evaluated: 2019-09-30. Review status: no assertion criteria provided. Collection method: clinical testing. Allele origin: germline. Not counted in ClinVar's aggregate classification.
Comment: This variant is classified as benign based on ACMG/AMP sequence variant interpretation guidelines (Richards et al. 2015 PMID: 25741868, with internal and published modifications).